The following is an entry in ClinVar:

ClinVar aggregate classification (germline): Uncertain significance. Review status: criteria provided, multiple submitters, no conflicts (2 of 4 stars). 2 submissions from 2 submitters: Uncertain significance (2). Last evaluated 2026-01-14.

Conditions:
Inborn genetic diseases. Identifiers: MedGen C0950123, MeSH D030342.
DYRK1A-related intellectual disability syndrome (MRD7). Also called: Intellectual developmental disorder, autosomal dominant 7; DYRK1A Syndrome. Identifiers: Orphanet 464306, MedGen C5568143, MONDO:0013578, OMIM 614104.

gnomAD v4.1: 4 of 1,613,838 alleles (0.00025%); highest among the groups gnomAD compares: South Asian, 0.0011%; no homozygotes.

Submissions (2):

Ambry Genetics
Classification: Uncertain significance for Inborn genetic diseases. Last evaluated: 2026-01-14. Review status: criteria provided, single submitter. Criteria: Ambry Variant Classification Scheme 2023. Collection method: clinical testing. Allele origin: germline.

Labcorp Genetics (formerly Invitae), Labcorp
Classification: Uncertain significance for DYRK1A-related intellectual disability syndrome. Last evaluated: 2024-06-17. Review status: criteria provided, single submitter. Criteria: Invitae Variant Classification Sherloc (09022015). Collection method: clinical testing. Allele origin: germline.
Comment: This sequence change replaces asparagine, which is neutral and polar, with serine, which is neutral and polar, at codon 253 of the DYRK1A protein (p.Asn253Ser). This variant is present in population databases (rs769854828, gnomAD 0.0009%). This variant has not been reported in the literature in individuals affected with DYRK1A-related conditions. Advanced modeling of protein sequence and biophysical properties (such as structural, functional, and spatial information, amino acid conservation, physicochemical variation, residue mobility, and thermodynamic stability) performed at Invitae indicates that this missense variant is not expected to disrupt DYRK1A protein function with a negative predictive value of 80%. In summary, the available evidence is currently insufficient to determine the role of this variant in disease. Therefore, it has been classified as a Variant of Uncertain Significance.

NM_001347721.2(DYRK1A):c.731A>G (p.Asn244Ser)

Gene: DYRK1A (dual specificity tyrosine phosphorylation regulated kinase 1A; plus strand). Cytogenetic location: 21q22.13.
Variant type: single nucleotide variant.
Coding change: c.731A>G on transcript NM_001347721.2 (MANE Select); coding-DNA position 731, A replaced by G.
Protein change: p.Asn244Ser; replaces asparagine 244 with serine.
Molecular consequence: missense variant.
Genome position (GRCh38, 1-based): chr21:37,490,268, A>G. VCF-style: chr21-37490268-A-G. GRCh37 (hg19) VCF-style: chr21-38862570-A-G.
Other names: c.758A>G (NM_001396.3); c.731A>G, p.Asn244Ser (NM_001347722.2, NM_130436.2); c.644A>G, p.Asn215Ser (NM_001347723.2); c.758A>G, p.Asn253Ser (NM_001396.5, NM_101395.2, NM_130438.2); short protein forms N215S, N244S, N253S.
Identifiers: ClinVar variation 3618096 (VCV003618096.3).